The following is an entry in ClinVar:

NM_016203.4(PRKAG2):c.482C>G (p.Ser161Cys)

Gene: PRKAG2 (protein kinase AMP-activated non-catalytic subunit gamma 2; minus strand). Cytogenetic location: 7q36.1.
Variant type: single nucleotide variant.
Coding change: c.482C>G on transcript NM_016203.4 (MANE Select); coding-DNA position 482, C replaced by G.
Protein change: p.Ser161Cys; replaces serine 161 with cysteine.
Molecular consequence: missense variant.
Genome position (GRCh38, 1-based): chr7:151,675,622, G>C on the plus strand (C>G on the coding strand, the complement: PRKAG2 is on the minus strand). VCF-style: chr7-151675622-G-C. GRCh37 (hg19) VCF-style: chr7-151372708-G-C.
Other names: c.350C>G, p.Ser117Cys (NM_001040633.2); c.110C>G, p.Ser37Cys (NM_001304527.2, NM_001363698.2); short protein forms S161C, S117C, S37C.
Identifiers: ClinVar variation 628866 (VCV000628866.6), dbSNP rs748557485, ClinGen allele CA169447546.

ClinVar aggregate classification (germline): Uncertain significance (1 of 4 stars; one submission).

Conditions:
Cardiomyopathy (CMYO). Also called: Cardiomyopathies. Identifiers: Orphanet 167848, MedGen C0878544, MONDO:0004994, HP:0001638. Inheritance: Various modes of inheritance.

gnomAD v4.1: 1 of 1,613,784 alleles (0.000062%); no homozygotes.

Submission:

Color Diagnostics, LLC DBA Color Health
Classification: Uncertain significance for Cardiomyopathy. Last evaluated: 2023-12-04. Review status: criteria provided, single submitter. Criteria: ACMG Guidelines, 2015. Collection method: clinical testing. Allele origin: germline.
Comment: Variant of Uncertain Significance due to insufficient evidence: This missense variant is located in the PRKAG2 protein. Computational prediction tools and conservation analyses are inconclusive regarding the impact of this variant on the protein function. Computational splicing tools suggest that this variant may not impact the RNA splicing. To our knowledge, functional assays have not been performed for this variant nor has this variant been reported in individuals affected with cardiovascular disorders in the literature. This variant is rare in the general population and has been identified in 0/277264 chromosomes by the Genome Aggregation Database (gnomAD). Available evidence is insufficient to determine the pathogenicity of this variant conclusively.